The following is an entry in ClinVar:

NC_012920.1(MT-ATP6):m.8764G>A

Gene: MT-ATP6 (mitochondrially encoded ATP synthase 6; plus strand).
Variant type: single nucleotide variant.
Genome position: chrM-8764-G-A.
Identifiers: ClinVar variation 692978 (VCV000692978.1), dbSNP rs1556423534, ClinGen allele CA414797934.
Genomic context (GRCh38, chrMT:8,764, plus strand): 5'-ATACACAACACTAAAGGACGAACCTGATCTCTTATACTAGTATCCTTAATCATTTTTATT[G>A]CCACAACTAACCTCCTCGGACTCCTGCCTCACTCATTTACACCAACCACCCAACTATCTA-3'

ClinVar aggregate classification (germline): Benign (1 of 4 stars; one submission).

Conditions:
Leigh syndrome (NULS). Also called: Leigh's necrotizing encephalopathy; Leigh's disease; Leigh Syndrome (mtDNA deletion); Leigh Disease; Subacute necrotizing encephalopathy; Necrotizing encephalopathy infantile subacute of Leigh. Identifiers: Orphanet 506, MedGen C2931891, MONDO:0009723, OMIM 256000.

Submission:

Wong Mito Lab, Molecular and Human Genetics, Baylor College of Medicine
Classification: Benign for Leigh syndrome. Last evaluated: 2019-10-17. Review status: criteria provided, single submitter. Criteria: Modified ACMG Guidelines (Unpublished). Collection method: clinical testing. Allele origin: germline.
Comment: The NC_012920.1:m.8764G>A (YP_003024031.1:p.Ala80Thr) variant in MTATP6 gene is interpretated to be a Benign variant based on the modified ACMG guidelines (unpublished). This variant meets the following evidence codes: BS1, BS2, BP4